The following is an entry in ClinVar:

NM_004563.4(PCK2):c.1679G>A (p.Arg560Gln)

Genes: NRL (neural retina leucine zipper; minus strand), PCK2 (phosphoenolpyruvate carboxykinase 2, mitochondrial; plus strand). Cytogenetic location: 14q12.
Variant type: single nucleotide variant.
Coding change: c.1679G>A on transcript NM_004563.4 (MANE Select); coding-DNA position 1679, G replaced by A.
Protein change: p.Arg560Gln; replaces arginine 560 with glutamine.
Molecular consequence: missense variant. On other transcripts: intron variant (3).
Genome position (GRCh38, 1-based): chr14:24,103,720, G>A. VCF-style: chr14-24103720-G-A. GRCh37 (hg19) VCF-style: chr14-24572929-G-A.
Other names: c.1277G>A, p.Arg426Gln (NM_001291556.2, NM_001308054.2); c.-28+11002C>T (NM_001354768.3, NM_001354770.2); c.-254+11002C>T (NM_006177.5); short protein forms R560Q, R426Q.
Identifiers: ClinVar variation 618777 (VCV000618777.17), dbSNP rs144284959, ClinGen allele CA7123595.

ClinVar aggregate classification (germline): Uncertain significance. Review status: criteria provided, multiple submitters, no conflicts (2 of 4 stars). 5 submissions from 5 submitters: Uncertain significance (5). Last evaluated 2025-12-13.

Allele frequency attached by ClinVar (database versions not stated): 1000 Genomes Project 30x 0.00016; 1000 Genomes Project 0.00020; gnomAD 0.00039 and 0.00043; TOPMed 0.00056; ESP Exome Variant Server 0.00069.
gnomAD v4.1: 725 of 1,614,168 alleles (0.045%); highest among the groups gnomAD compares: Middle Eastern, 0.12%; 1 homozygote.

Submissions (5):

Labcorp Genetics (formerly Invitae), Labcorp
Classification: Uncertain significance. Last evaluated: 2025-12-13. Review status: criteria provided, single submitter. Criteria: Invitae Variant Classification Sherloc (09022015). Collection method: clinical testing. Allele origin: germline.
Comment: This sequence change replaces arginine, which is basic and polar, with glutamine, which is neutral and polar, at codon 560 of the PCK2 protein (p.Arg560Gln). This variant is present in population databases (rs144284959, gnomAD 0.07%), and has an allele count higher than expected for a pathogenic variant. This variant has not been reported in the literature in individuals affected with PCK2-related conditions. ClinVar contains an entry for this variant (Variation ID: 618777). Invitae Evidence Modeling of protein sequence and biophysical properties (such as structural, functional, and spatial information, amino acid conservation, physicochemical variation, residue mobility, and thermodynamic stability) indicates that this missense variant is not expected to disrupt PCK2 protein function with a negative predictive value of 80%. In summary, the available evidence is currently insufficient to determine the role of this variant in disease. Therefore, it has been classified as a Variant of Uncertain Significance.

Mayo Clinic Laboratories, Mayo Clinic
Classification: Uncertain significance. Last evaluated: 2025-06-30. Review status: criteria provided, single submitter. Criteria: ACMG Guidelines, 2015. Collection method: clinical testing. Allele origin: germline. Observed: 2 variant alleles.
Comment: BP4, PM2_moderate

Blueprint Genetics
Classification: Uncertain significance. Last evaluated: 2024-11-18. Review status: criteria provided, single submitter. Criteria: ACMG Guidelines, 2015. Collection method: clinical testing. Allele origin: germline.

ARUP Laboratories, Molecular Genetics and Genomics, ARUP Laboratories
Classification: Uncertain significance. Last evaluated: 2018-02-07. Review status: criteria provided, single submitter. Criteria: ARUP Molecular Germline Variant Investigation Process. Collection method: clinical testing. Allele origin: germline.
Comment: The PCK2: c.1679G>A; p.Arg560Gln variant (rs144284959) has not been reported in the medical literature, is not listed in gene-specific variant databases, nor has it been previously identified in our laboratory. It is listed in the Genome Aggregation Database (gnomAD) browser with an overall frequency of 0.04% (identified in 118 out of 277,080 chromosomes). The arginine at codon 560 is moderately conserved, and computational analyses suggest this variant does not have a significant effect on PCK2 protein structure/function (SIFT: tolerated, PolyPhen2: benign). However, based on the available information, the clinical significance of the p.Arg560Gln variant cannot be determined with certainty.

Breakthrough Genomics
Classification: Uncertain significance. Review status: criteria provided, single submitter. Criteria: ACMG Guidelines, 2015. Collection method: not provided. Allele origin: germline. Inheritance: Autosomal recessive inheritance. Affected: yes.